The following is an entry in ClinVar:

NM_001378452.1(ITPR1):c.7786G>T (p.Val2596Phe)

Genes: ITPR1 (inositol 1,4,5-trisphosphate receptor type 1; plus strand), LOC126806590 (MED14-independent group 3 enhancer GRCh37_chr3:4855759-4856958; plus strand). Cytogenetic location: 3p26.1.
Variant type: single nucleotide variant.
Coding change: c.7786G>T on transcript NM_001378452.1 (MANE Select); coding-DNA position 7786, G replaced by T.
Protein change: p.Val2596Phe; replaces valine 2596 with phenylalanine.
Molecular consequence: missense variant.
Genome position (GRCh38, 1-based): chr3:4,815,137, G>T. VCF-style: chr3-4815137-G-T. GRCh37 (hg19) VCF-style: chr3-4856821-G-T.
Other names: c.7642G>T, p.Val2548Phe (NM_001099952.4); c.7741G>T, p.Val2581Phe (NM_001168272.2); c.7597G>T, p.Val2533Phe (NM_002222.7); short protein forms V2533F, V2548F, V2581F, V2596F.
Identifiers: ClinVar variation 5019575 (VCV005019575.2).
Genomic context (GRCh38, chr3:4,815,137, plus strand): 5'-ATTTATGACCTCTTGTTCTTCTTCATGGTCATCATCATTGTTCTTAACCTGATTTTTGGG[G>T]TTATCATTGACACTTTTGCTGACCTGAGGAGTGAGAAGCAGAAGAAGGAAGAGATCTTGA-3'
Protein context (NP_001365381.1, residues 2586-2606): IIIVLNLIFG[Val2596Phe]IIDTFADLRS

ClinVar aggregate classification (germline): Uncertain significance (1 of 4 stars; one submission).

Conditions:
Spinocerebellar ataxia type 15/16 (SCA15). Also called: Spinocerebellar Ataxia Type 15. Identifiers: Orphanet 98769, MedGen C1847725, MONDO:0011694, OMIM 606658.
Spinocerebellar ataxia type 29 (SCA29). Also called: Spinocerebellar ataxia 29, congenital nonprogressive; CEREBELLAR ATAXIA, CONGENITAL NONPROGRESSIVE, AUTOSOMAL DOMINANT. Identifiers: Orphanet 208513, MedGen C1861732, MONDO:0007298, OMIM 117360.
Gillespie syndrome (GLSP). Also called: Aniridia, cerebellar ataxia, and mental deficiency; Aniridia-cerebellar ataxia-intellectual disability syndrome. Identifiers: Orphanet 1065, MedGen C0431401, MONDO:0008795, OMIM 206700.

Submission:

Juno Genomics, Hangzhou Juno Genomics, Inc
Classification: Uncertain significance for Gillespie syndrome; Spinocerebellar ataxia type 15/16; Spinocerebellar ataxia type 29. Review status: criteria provided, single submitter. Criteria: ACMG Guidelines, 2015. Collection method: clinical testing. Allele origin: germline.
Comment: Absent from controls (or at extremely low frequency if recessive) in Genome Aggregation Database.;Multiple lines of computational evidence support a deleterious effect on the gene or gene product.;Missense variant in a gene that has a low rate of benign missense variation.